The following is an entry in ClinVar:

NC_000017.10:g.(?_10424597)_(10431211_?)del

Gene: MYH2 (myosin heavy chain 2; minus strand). Cytogenetic location: 17p13.1.
Variant type: Deletion.
Identifiers: ClinVar variation 2426323 (VCV002426323.3).

ClinVar aggregate classification (germline): Uncertain significance (1 of 4 stars; one submission).

Conditions:
Myopathy, proximal, and ophthalmoplegia (CMYO6). Also called: MYOPATHY WITH CONGENITAL JOINT CONTRACTURES, OPHTHALMOPLEGIA, AND RIMMED VACUOLES; INCLUSION BODY MYOPATHY 3, AUTOSOMAL DOMINANT; CONGENITAL MYOPATHY 6 WITH OPHTHALMOPLEGIA. Identifiers: Orphanet 363677, Orphanet 79091, MedGen C1854106, MONDO:0011577, OMIM 605637.

Submission:

Labcorp Genetics (formerly Invitae), Labcorp
Classification: Uncertain significance for Myopathy, proximal, and ophthalmoplegia. Last evaluated: 2022-04-24. Review status: criteria provided, single submitter. Criteria: Invitae Variant Classification Sherloc (09022015). Collection method: clinical testing. Allele origin: germline.
Comment: This variant has not been reported in the literature in individuals affected with MYH2-related conditions. In summary, the available evidence is currently insufficient to determine the role of this variant in disease. Therefore, it has been classified as a Variant of Uncertain Significance. This variant is a gross deletion of the genomic region encompassing exon(s) 28-40 of the MYH2 gene, which includes the termination codon. This deletion extends beyond the assayed region for this gene and therefore may encompass additional genes. While this deletion is not anticipated to lead to nonsense mediated decay, it is expected to alter mRNA translation or result in a truncated protein product.